The following is an entry in ClinVar:

ClinVar aggregate classification (germline): Uncertain significance. Review status: criteria provided, multiple submitters, no conflicts (2 of 4 stars). 2 submissions from 2 submitters: Uncertain significance (2). Last evaluated 2026-08-24.

Conditions:
Inborn genetic diseases. Identifiers: MedGen C0950123, MeSH D030342.
KLHL24-related disorder. Also called: KLHL24-related condition.

Allele frequency attached by ClinVar (database versions not stated): ExAC 0.00007; gnomAD 0.00007; TOPMed 0.00009; gnomAD exomes 0.00011; ESP Exome Variant Server 0.00015.
gnomAD v4.1: 167 of 1,614,062 alleles (0.01%); highest among the groups gnomAD compares: Non-Finnish European, 0.014%; no homozygotes.

Submissions (2):

PreventionGenetics, part of Exact Sciences
Classification: Uncertain significance for KLHL24-related condition. Last evaluated: 2026-08-24. Review status: criteria provided, single submitter. Criteria: ACMG Guidelines, 2015. Collection method: clinical testing. Allele origin: germline.
Comment: The KLHL24 c.622G>C variant is predicted to result in the amino acid substitution p.Asp208His. To our knowledge, this variant has not been reported in the literature. This variant is reported in 0.019% of alleles in individuals of European (Non-Finnish) descent in gnomAD. At this time, the clinical significance of this variant is uncertain due to the absence of conclusive functional and genetic evidence.

Ambry Genetics
Classification: Uncertain significance for Inborn genetic diseases. Last evaluated: 2023-08-14. Review status: criteria provided, single submitter. Criteria: Ambry Variant Classification Scheme 2023. Collection method: clinical testing. Allele origin: germline.

NM_017644.3(KLHL24):c.622G>C (p.Asp208His)

Gene: KLHL24 (kelch like family member 24; plus strand). Cytogenetic location: 3q27.1.
Variant type: single nucleotide variant.
Coding change: c.622G>C on transcript NM_017644.3 (MANE Select); coding-DNA position 622, G replaced by C.
Protein change: p.Asp208His; replaces aspartic acid 208 with histidine.
Molecular consequence: missense variant. On other transcripts: 5 prime UTR variant (2), non-coding transcript variant (2).
Genome position (GRCh38, 1-based): chr3:183,650,978, G>C. VCF-style: chr3-183650978-G-C. GRCh37 (hg19) VCF-style: chr3-183368766-G-C.
Other names: c.622G>C, p.Asp208His (NM_001349413.1, NM_001349414.1, NM_001349415.1 and 12 more transcripts); c.-345G>C (NM_001349428.1, NM_001349429.1); short protein forms D208H.
Identifiers: ClinVar variation 2589644 (VCV002589644.3), dbSNP rs202077836, ClinGen allele CA2721593.